The following is an entry in ClinVar:

ClinVar aggregate classification (germline): Uncertain significance (1 of 4 stars; one submission).

Conditions:
Hyperkalemic periodic paralysis. Also called: Familial hyperkalemic periodic paralysis; Gamstorp disease. Identifiers: Orphanet 682, MedGen C0238357, MONDO:0008224, OMIM 170500, HP:0007215.

Submission:

Labcorp Genetics (formerly Invitae), Labcorp
Classification: Uncertain significance for Hyperkalemic periodic paralysis. Last evaluated: 2022-06-12. Review status: criteria provided, single submitter. Criteria: Invitae Variant Classification Sherloc (09022015). Collection method: clinical testing. Allele origin: germline.
Comment: In summary, the available evidence is currently insufficient to determine the role of this variant in disease. Therefore, it has been classified as a Variant of Uncertain Significance. Algorithms developed to predict the effect of missense changes on protein structure and function (SIFT, PolyPhen-2, Align-GVGD) all suggest that this variant is likely to be disruptive. This variant has not been reported in the literature in individuals affected with SCN4A-related conditions. This variant is not present in population databases (gnomAD no frequency). This sequence change replaces leucine, which is neutral and non-polar, with glutamine, which is neutral and polar, at codon 1683 of the SCN4A protein (p.Leu1683Gln).

NM_000334.4(SCN4A):c.5048T>A (p.Leu1683Gln)

Genes: GH-LCR (growth hormone locus control region; plus strand), SCN4A (sodium voltage-gated channel alpha subunit 4; minus strand). Cytogenetic location: 17q23.3.
Variant type: single nucleotide variant.
Coding change: c.5048T>A on transcript NM_000334.4 (MANE Select); coding-DNA position 5048, T replaced by A.
Protein change: p.Leu1683Gln; replaces leucine 1683 with glutamine.
Molecular consequence: missense variant.
Genome position (GRCh38, 1-based): chr17:63,941,234, A>T on the plus strand (T>A on the coding strand, the complement: SCN4A is on the minus strand). VCF-style: chr17-63941234-A-T. GRCh37 (hg19) VCF-style: chr17-62018594-A-T.
Other names: short protein forms L1683Q.
Identifiers: ClinVar variation 1991971 (VCV001991971.4), dbSNP rs2509283607, ClinGen allele CA400614265.